The following is an entry in ClinVar:

ClinVar aggregate classification (germline): Pathogenic. Review status: criteria provided, multiple submitters, no conflicts (2 of 4 stars). 3 submissions from 3 submitters: Pathogenic (2). 1 of the submissions does not count toward it. Last evaluated 2026-01-01.

Conditions:
Hereditary cancer-predisposing syndrome. Also called: Hereditary Cancer Syndrome; Tumor predisposition; Neoplastic Syndromes, Hereditary; Hereditary neoplastic syndrome. Identifiers: Orphanet 140162, MedGen C0027672, MeSH D009386, MONDO:0015356.
Breast-ovarian cancer, familial, susceptibility to, 2 (BROVCA2). Also called: BRCA2 Hereditary Breast and Ovarian Cancer. Identifiers: Orphanet 145, MedGen C2675520, MONDO:0012933, OMIM 612555. Disease mechanism: loss of function.

Submissions (3):

CeGaT Center for Human Genetics Tuebingen
Classification: Pathogenic. Last evaluated: 2026-01-01. Review status: criteria provided, single submitter. Criteria: CeGaT Center For Human Genetics Tuebingen Variant Classification Criteria Version 2. Collection method: clinical testing. Allele origin: germline. Affected: yes. Observed: 1 variant allele.
Comment: BRCA2: PVS1, PM2

Ambry Genetics
Classification: Pathogenic for Hereditary cancer-predisposing syndrome. Last evaluated: 2022-05-13. Review status: criteria provided, single submitter. Criteria: Ambry Variant Classification Scheme 2023. Collection method: clinical testing. Allele origin: germline.
Comment: The c.5803delAinsTT pathogenic mutation, located in coding exon 10 of the BRCA2 gene, results from the deletion of one nucleotide and insertion of two nucleotides causing a translational frameshift with a predicted alternate stop codon (p.N1935Lfs*10). This alteration is expected to result in loss of function by premature protein truncation or nonsense-mediated mRNA decay. As such, this alteration is interpreted as a disease-causing mutation.

Counsyl
Classification: Likely pathogenic for Breast-ovarian cancer, familial, susceptibility to, 2. Last evaluated: 2017-08-30. Review status: no assertion criteria provided. Collection method: clinical testing. Allele origin: unknown. Not counted in ClinVar's aggregate classification.

NM_000059.4(BRCA2):c.5803delinsTT (p.Asn1935fs)

Gene: BRCA2 (BRCA2 DNA repair associated; plus strand). Cytogenetic location: 13q13.1.
Variant type: Indel.
Coding change: c.5803delinsTT on transcript NM_000059.4 (MANE Select); coding-DNA position 5803, A replaced by TT.
Protein change: p.Asn1935fs; shifts the reading frame from asparagine 1935.
Molecular consequence: frameshift variant.
Genome position (GRCh38, 1-based): chr13:32,340,158, A replaced by TT. VCF-style: chr13-32340158-A-TT. GRCh37 (hg19) VCF-style: chr13-32914295-A-TT.
Other names: c.5803delAinsTT (NM_000059.3); short protein forms N1935fs.
Identifiers: ClinVar variation 548784 (VCV000548784.8), dbSNP rs1555284402, ClinGen allele CA658823666.